The following is an entry in ClinVar:

NM_152419.3(HGSNAT):c.1377+1G>A

Gene: HGSNAT (heparan-alpha-glucosaminide N-acetyltransferase; plus strand). Cytogenetic location: 8p11.21.
Variant type: single nucleotide variant.
Coding change: c.1377+1G>A on transcript NM_152419.3 (MANE Select); the canonical splice donor site of the intron after coding-DNA position 1377, G replaced by A.
Molecular consequence: splice donor variant.
Genome position (GRCh38, 1-based): chr8:43,192,431, G>A. VCF-style: chr8-43192431-G-A. GRCh37 (hg19) VCF-style: chr8-43047574-G-A.
Other names: c.1377+1G>A (NM_001363227.2); c.513+1G>A (NM_001363229.2); c.1185+1G>A (NM_001363228.2).
Identifiers: ClinVar variation 4816862 (VCV004816862.1).

ClinVar aggregate classification (germline): Likely pathogenic (1 of 4 stars; one submission).

Conditions:
Mucopolysaccharidosis, MPS-III-C (MPS3C). Also called: MPS IIIC (Sanfilippo Syndrome Type C); SANFILIPPO SYNDROME C; MPS III C; Mucopolysaccharidosis type IIIC (Sanfilippo C); MUCOPOLYSACCHARIDOSIS, TYPE IIIC; mucopolysaccharidosis type 3C. Identifiers: Orphanet 581, Orphanet 79271, MedGen C0086649, MONDO:0009657, OMIM 252930.

Submission:

Natera, Inc.
Classification: Likely pathogenic for Mucopolysaccharidosis type IIIC. Last evaluated: 2024-04-18. Review status: criteria provided, single submitter. Criteria: Natera Variant Classification Schema (03/2026). Collection method: clinical testing. Allele origin: germline.
Comment: The c.1377+1G>A variant in HGSNAT is a canonical splice donor site variant predicted to affect pre-mRNA splicing, which may result in an abnormal transcript and altered protein product. This variant is expected to result in nonsense mediated decay, truncation, or a dysfunctional protein product. This variant is rare in the general population with a frequency below the threshold expected for the associated phenotype(s). Given the available evidence, this variant is classified as Likely Pathogenic.